The following is an entry in ClinVar:

NC_000002.12:g.(?_148458739)_(148512961_?)del

Gene: MBD5 (methyl-CpG binding domain protein 5; plus strand). Cytogenetic location: 2q23.1.
Variant type: Deletion.
Identifiers: ClinVar variation 832942 (VCV000832942.1).

ClinVar aggregate classification (germline): Pathogenic (1 of 4 stars; one submission).

Conditions:
Intellectual developmental disorder, autosomal dominant 1. Also called: Intellectual disability, autosomal dominant 1; MBD5 Haploinsufficiency. Identifiers: Orphanet 228402, MedGen C1969562, MONDO:0007974, OMIM 156200.

Submission:

Labcorp Genetics (formerly Invitae), Labcorp
Classification: Pathogenic for Mental retardation, autosomal dominant 1. Last evaluated: 2019-09-03. Review status: criteria provided, single submitter. Criteria: Invitae Variant Classification Sherloc (09022015). Collection method: clinical testing. Allele origin: germline.
Comment: A gross deletion of the genomic region encompassing the full coding sequence of the MBD5 gene has been identified. The boundaries of this event are unknown as the deletion extends beyond the assayed region for this gene and therefore may encompass additional genes. Isolated whole-gene deletions of MBD5 have not been reported in the literature. However, larger copy number events that include this gene have been reported (PMID: 19809484, 19904302, 24885232). Loss-of-function variants in MBD5 are known to be pathogenic (PMID: 23422940, 23587880). For these reasons, this variant has been classified as Pathogenic.

Literature cited by the submitters: PubMed 24885232; PubMed 19809484; PubMed 19904302.